The following is an entry in ClinVar:

NM_005502.4(ABCA1):c.2350C>G (p.Pro784Ala)

Gene: ABCA1 (ATP binding cassette subfamily A member 1; minus strand). Cytogenetic location: 9q31.1.
Variant type: single nucleotide variant.
Coding change: c.2350C>G on transcript NM_005502.4 (MANE Select); coding-DNA position 2350, C replaced by G.
Protein change: p.Pro784Ala; replaces proline 784 with alanine.
Molecular consequence: missense variant.
Genome position (GRCh38, 1-based): chr9:104,825,875, G>C on the plus strand (C>G on the coding strand, the complement: ABCA1 is on the minus strand). VCF-style: chr9-104825875-G-C. GRCh37 (hg19) VCF-style: chr9-107588156-G-C.
Other names: short protein forms P784A.
Identifiers: ClinVar variation 5033861 (VCV005033861.1).
Genomic context (GRCh38, chr9:104,825,875, plus strand): 5'-CTCCAATGCCCTGCTCCTCAAAAAGGGCAAAGTACTCACAGCCAAACCCAAAAGCCACAG[G>C]AGACAGCAGGCTCTGTGAGAAACAGGCAAAGTCACCTATCCATTTCCTGGTCAGTCTCAT-3'
Protein context (NP_005493.2, residues 774-794): TLKIFASLLS[Pro784Ala]VAFGFGCEYF

ClinVar aggregate classification (germline): Uncertain significance (1 of 4 stars; one submission).

Conditions:
Cardiovascular phenotype. Identifiers: MedGen CN230736.

gnomAD v4.1: 2 of 1,614,006 alleles (0.00012%); highest among the groups gnomAD compares: East Asian, 0.0022%; no homozygotes.

Submission:

Ambry Genetics
Classification: Uncertain significance for Cardiovascular phenotype. Last evaluated: 2026-08-24. Review status: criteria provided, single submitter. Criteria: Ambry Variant Classification Scheme 2023. Collection method: clinical testing. Allele origin: germline.
Comment: The p.P784A variant (also known as c.2350C>G), located in coding exon 16 of the ABCA1 gene, results from a C to G substitution at nucleotide position 2350. The proline at codon 784 is replaced by alanine, an amino acid with highly similar properties. This amino acid position is conserved. In addition, this alteration is predicted to be deleterious by in silico analysis. Based on the available evidence, the clinical significance of this variant remains unclear.